The following is an entry in ClinVar:

ClinVar aggregate classification (germline): Pathogenic (1 of 4 stars; one submission).

Conditions:
Multiple endocrine neoplasia, type 1 (MEN1). Also called: MEN I; WERMER SYNDROME; Endocrine adenomatosis multiple; MEN 1; MEA I. Identifiers: Orphanet 652, MedGen C0025267, MeSH D018761, MONDO:0007540, OMIM 131100.

Submission:

Labcorp Genetics (formerly Invitae), Labcorp
Classification: Pathogenic for Multiple endocrine neoplasia, type 1. Last evaluated: 2024-04-24. Review status: criteria provided, single submitter. Criteria: Invitae Variant Classification Sherloc (09022015). Collection method: clinical testing. Allele origin: germline.
Comment: This sequence change creates a premature translational stop signal (p.Arg14Hisfs*101) in the MEN1 gene. It is expected to result in an absent or disrupted protein product. Loss-of-function variants in MEN1 are known to be pathogenic (PMID: 12112656, 17853334). This variant is not present in population databases (gnomAD no frequency). This variant has not been reported in the literature in individuals affected with MEN1-related conditions. For these reasons, this variant has been classified as Pathogenic.

Literature cited by the submitters: PubMed 12112656; PubMed 17853334.

NM_001370259.2(MEN1):c.39_43del (p.Arg14fs)

Gene: MEN1 (menin 1; minus strand). Cytogenetic location: 11q13.1.
Variant type: Deletion.
Coding change: c.39_43del on transcript NM_001370259.2 (MANE Select); coding-DNA positions 39 to 43, 5 bases deleted (GCGCT; older notation c.39_43delGCGCT).
Protein change: p.Arg14fs; shifts the reading frame from arginine 14.
Molecular consequence: frameshift variant. On other transcripts: non-coding transcript variant (4).
Genome position (GRCh38, 1-based): chr11:64,810,067-64,810,071, AGCGC deleted on the plus strand (GCGCT on the coding strand, the reverse complement: MEN1 is on the minus strand); deleting any 5 consecutive bases within chr11:64,810,067-64,810,075 gives the same sequence; the c. name uses the placement nearest the transcript's 3' end. VCF-style (leftmost placement, unchanged base first): chr11-64810066-GAGCGC-G. GRCh37 (hg19) VCF-style: chr11-64577538-GAGCGC-G.
Other names: c.39_43del, p.Arg14fs (NM_001407145.1, NM_001407146.1, NM_001407147.1 and 20 more transcripts); short protein forms R14fs.
Identifiers: ClinVar variation 3650758 (VCV003650758.2).